The following is an entry in ClinVar:

NM_024426.6(WT1):c.617A>T (p.Tyr206Phe)

Genes: WT1 (WT1 transcription factor; minus strand), LOC107982234 (WT1/WT1-AS bi-directional promoter region; plus strand). Cytogenetic location: 11p13.
Variant type: single nucleotide variant.
Coding change: c.617A>T on transcript NM_024426.6 (MANE Select); coding-DNA position 617, A replaced by T.
Protein change: p.Tyr206Phe; replaces tyrosine 206 with phenylalanine.
Molecular consequence: missense variant. On other transcripts: non-coding transcript variant (2).
Genome position (GRCh38, 1-based): chr11:32,434,744, T>A on the plus strand (A>T on the coding strand, the complement: WT1 is on the minus strand). VCF-style: chr11-32434744-T-A. GRCh37 (hg19) VCF-style: chr11-32456290-T-A.
Other names: c.617A>T, p.Tyr206Phe (NM_000378.6, NM_001407044.1, NM_001407045.1 and 6 more transcripts); c.398A>T, p.Tyr133Phe (NM_001429031.1, NM_001429032.1, NM_001429033.1 and 1 more transcripts); c.602A>T (NM_024426.4); short protein forms Y133F, Y201F, Y206F.
Identifiers: ClinVar variation 3599555 (VCV003599555.2).

ClinVar aggregate classification (germline): Uncertain significance. Review status: criteria provided, multiple submitters, no conflicts (2 of 4 stars). 2 submissions from 2 submitters: Uncertain significance (2). Last evaluated 2025-03-24.

Conditions:
Wilms tumor 1 (WT1). Also called: Wilms tumor, somatic. Identifiers: Orphanet 654, MedGen CN033288, MONDO:0008679, OMIM 194070.
Meacham syndrome. Also called: Meacham Winn Culler syndrome. Identifiers: Orphanet 3097, MedGen C1837026, MONDO:0012164, OMIM 608978.
Nephrotic syndrome, type 4 (NPHS4). Also called: Familial mesangial sclerosis; Nephrotic syndrome, early onset with diffuse mesangial sclerosis. Identifiers: Orphanet 656, MedGen C3151568, MONDO:0009733, OMIM 256370.
Mesothelioma, malignant (MESOM). Also called: Malignant mesothelioma (disease). Identifiers: Orphanet 50251, MedGen C0345967, MONDO:0006292, OMIM 156240, HP:0100001.
Frasier syndrome. Identifiers: Orphanet 347, MedGen C0950122, MeSH D052159, MONDO:0007635, OMIM 136680.
Drash syndrome (DDS). Also called: WILMS TUMOR AND PSEUDO- OR TRUE HERMAPHRODITISM; NEPHROPATHY, WILMS TUMOR, AND GENITAL ANOMALIES. Identifiers: Orphanet 220, MedGen C0950121, MONDO:0008682, OMIM 194080.
Inborn genetic diseases. Identifiers: MedGen C0950123, MeSH D030342.

Submissions (2):

Ambry Genetics
Classification: Uncertain significance for Inborn genetic diseases. Last evaluated: 2025-03-24. Review status: criteria provided, single submitter. Criteria: Ambry Variant Classification Scheme 2023. Collection method: clinical testing. Allele origin: germline.
Comment: The p.Y201F variant (also known as c.602A>T), located in coding exon 1 of the WT1 gene, results from an A to T substitution at nucleotide position 602. The tyrosine at codon 201 is replaced by phenylalanine, an amino acid with highly similar properties. This amino acid position is conserved. In addition, the in silico prediction for this alteration is inconclusive. Based on the available evidence, the clinical significance of this variant remains unclear.

Fulgent Genetics
Classification: Uncertain significance for Frasier syndrome; Mesothelioma, malignant; Wilms tumor 1; Drash syndrome; Nephrotic syndrome, type 4; Meacham syndrome. Last evaluated: 2024-06-20. Review status: criteria provided, single submitter. Criteria: ACMG Guidelines, 2015. Collection method: clinical testing. Allele origin: germline.